The following is an entry in ClinVar:

ClinVar aggregate classification (germline): Pathogenic (1 of 4 stars; one submission).

Conditions:
DICER1-related tumor predisposition. Also called: DICER1-related pleuropulmonary blastoma cancer predisposition syndrome; DICER1 syndrome. Identifiers: Orphanet 284343, MedGen C3839822, MONDO:0100216.

Submission:

Foulkes Cancer Genetics LDI, Lady Davis Institute for Medical Research
Classification: Pathogenic for Pleuropulmonary blastoma. Last evaluated: 2019-07-01. Review status: criteria provided, single submitter. Criteria: ACMG Guidelines, 2015. Collection method: curation. Allele origin: germline. Affected: yes. Observed: 1 variant allele.
Comment: ACMG criteria met: PVS1, PM2, PP4

Literature cited by the submitters: PubMed 21266384.

NM_177438.3(DICER1):c.3793del (p.Thr1265fs)

Gene: DICER1 (dicer 1, ribonuclease III; minus strand). Cytogenetic location: 14q32.13.
Variant type: Deletion.
Coding change: c.3793del on transcript NM_177438.3 (MANE Select); coding-DNA position 3793, one base deleted (A; older notation c.3793delA).
Protein change: p.Thr1265fs; shifts the reading frame from threonine 1265.
Molecular consequence: frameshift variant.
Genome position (GRCh38, 1-based): chr14:95,103,603, T deleted on the plus strand (A on the coding strand, the reverse complement: DICER1 is on the minus strand). VCF-style (leftmost placement, unchanged base first): chr14-95103602-GT-G. GRCh37 (hg19) VCF-style: chr14-95569939-GT-G.
Other names: c.3793del, p.Thr1265fs (NM_001271282.3, NM_001291628.2, NM_030621.4 and 1 more transcripts); short protein forms T1265fs.
Identifiers: ClinVar variation 933025 (VCV000933025.3), dbSNP rs1891101628, ClinGen allele CA1139663710.